The following is an entry in ClinVar:

NM_144643.4(SCLT1):c.638C>T (p.Thr213Ile)

Gene: SCLT1 (sodium channel and clathrin linker 1; minus strand). Cytogenetic location: 4q28.2.
Variant type: single nucleotide variant.
Coding change: c.638C>T on transcript NM_144643.4 (MANE Select); coding-DNA position 638, C replaced by T.
Protein change: p.Thr213Ile; replaces threonine 213 with isoleucine.
Molecular consequence: missense variant.
Genome position (GRCh38, 1-based): chr4:128,992,215, G>A on the plus strand (C>T on the coding strand, the complement: SCLT1 is on the minus strand). VCF-style: chr4-128992215-G-A. GRCh37 (hg19) VCF-style: chr4-129913370-G-A.
Other names: c.638C>T (NM_144643.3); short protein forms T213I.
Identifiers: ClinVar variation 1560845 (VCV001560845.14), dbSNP rs760824351, ClinGen allele CA3079863.
Genomic context (GRCh38, chr4:128,992,215, plus strand): 5'-TTTTGAAAATACCTAAGTTTTTTTCGGAGTTGTTCGATTATCACACTTTGTTCAGTTACT[G>A]TTTTCAGAAACTGTTGGTTAGTCTGCCACAAGAAAAAAAAAGAATCAGTATTAGAATATT-3'
Protein context (NP_653244.2, residues 203-223): MEVTNQQFLK[Thr213Ile]VTEQSVIIEQ

ClinVar aggregate classification (germline): Conflicting classifications of pathogenicity. Review status: criteria provided, conflicting classifications (1 of 4 stars). 5 submissions from 4 submitters: Uncertain significance (3); Likely benign (1). 1 of the submissions does not count toward it. Last evaluated 2025-11-17.

Conditions:
Esophageal atresia/tracheoesophageal fistula. Also called: TRACHEOESOPHAGEAL FISTULA WITH OR WITHOUT ESOPHAGEAL ATRESIA; Tracheoesophageal fistula. Identifiers: Orphanet 1199, MedGen C0040588, MeSH D014138, MONDO:0008586, OMIM 189960, HP:0002575.
SCLT1-related disorder. Also called: SCLT1-related condition.

Allele frequency attached by ClinVar (database versions not stated): gnomAD 0.00003; gnomAD exomes 0.00005 and 0.00028; TOPMed 0.00025; ExAC 0.00031.
gnomAD v4.1: 77 of 1,598,732 alleles (0.0048%); highest among the groups gnomAD compares: Admixed American, 0.13%; no homozygotes.

Submissions (5):

Labcorp Genetics (formerly Invitae), Labcorp
Classification: Likely benign. Last evaluated: 2025-11-17. Review status: criteria provided, single submitter. Criteria: Invitae Variant Classification Sherloc (09022015). Collection method: clinical testing. Allele origin: germline.

Daryl Scott Lab, Baylor College of Medicine
Classification: Uncertain significance for Esophageal atresia/tracheoesophageal fistula. Last evaluated: 2022-08-22. Review status: criteria provided, single submitter. Criteria: ACMG Guidelines, 2015. Collection method: clinical testing. Allele origin: maternal. Observed: 1 variant allele, 1 heterozygote.

Daryl Scott Lab, Baylor College of Medicine
Classification: Uncertain significance for SCLT1-related disorder. Last evaluated: 2022-02-01. Review status: criteria provided, single submitter. Criteria: ACMG Guidelines, 2015. Collection method: clinical testing. Allele origin: biparental. Observed: 1 variant allele, 1 compound heterozygote.

Revvity Omics, Revvity
Classification: Uncertain significance. Last evaluated: 2021-10-12. Review status: criteria provided, single submitter. Criteria: ACMG Guidelines, 2015. Collection method: clinical testing. Allele origin: germline.

PreventionGenetics, part of Exact Sciences
Classification: Likely benign for SCLT1-related condition. Last evaluated: 2024-07-16. Review status: no assertion criteria provided. Collection method: clinical testing. Allele origin: germline. Not counted in ClinVar's aggregate classification.
Comment: This variant is classified as likely benign based on ACMG/AMP sequence variant interpretation guidelines (Richards et al. 2015 PMID: 25741868, with internal and published modifications).

Literature cited by the submitters: PubMed 36135330 (cited by Daryl Scott Lab, Baylor College of Medicine); PubMed 36474027 (cited by Daryl Scott Lab, Baylor College of Medicine).